The following is an entry in ClinVar:

NM_001061.7(TBXAS1):c.726T>C (p.Ile242=)

Gene: TBXAS1 (thromboxane A synthase 1; plus strand). Cytogenetic location: 7q34.
Variant type: single nucleotide variant.
Coding change: c.726T>C on transcript NM_001061.7 (MANE Select); coding-DNA position 726, T replaced by C.
Protein change: p.Ile242=; no amino-acid change (isoleucine 242 retained).
Molecular consequence: synonymous variant.
Genome position (GRCh38, 1-based): chr7:139,957,671, T>C. VCF-style: chr7-139957671-T-C. GRCh37 (hg19) VCF-style: chr7-139657470-T-C.
Other names: c.726T>C, p.Ile242= (NM_001130966.5, NM_030984.6); c.864T>C, p.Ile288= (NM_001166253.4); c.525T>C, p.Ile175= (NM_001166254.4); c.669T>C, p.Ile223= (NM_001314028.4); c.543T>C, p.Ile181= (NM_001366537.3); c.729T>C (NM_001061.4).
Identifiers: ClinVar variation 1550920 (VCV001550920.11), dbSNP rs572759693, ClinGen allele CA4511791.
Genomic context (GRCh38, chr7:139,957,671, plus strand): 5'-CACTTTTGTTTTTCTCTTTCAAGTATCATTTCCATCCATAATGGTCCCACTGGCCCGGAT[T>C]TTGCCCAATAAGAACCGAGACGAACTGAATGGCTTTTTTAACAAACTCATTAGGAATGTG-3'
Protein context (NP_001052.3, residues 232-252): FPSIMVPLAR[Ile242=]LPNKNRDELN

ClinVar aggregate classification (germline): Benign/Likely benign. Review status: criteria provided, multiple submitters, no conflicts (2 of 4 stars). 3 submissions from 3 submitters: Benign (1); Likely benign (1). 1 of the submissions does not count toward it. Last evaluated 2025-11-23.

Conditions:
TBXAS1-related disorder. Also called: TBXAS1-related condition.

Allele frequency attached by ClinVar (database versions not stated): gnomAD exomes 0.00006 and 0.00029; ExAC 0.00025; 1000 Genomes Project 30x 0.00062; 1000 Genomes Project 0.00080.
gnomAD v4.1: 115 of 1,614,154 alleles (0.0071%); highest among the groups gnomAD compares: East Asian, 0.23%; no homozygotes.

Submissions (3):

Labcorp Genetics (formerly Invitae), Labcorp
Classification: Benign. Last evaluated: 2025-11-23. Review status: criteria provided, single submitter. Criteria: Invitae Variant Classification Sherloc (09022015). Collection method: clinical testing. Allele origin: germline.

Blueprint Genetics
Classification: Likely benign. Last evaluated: 2024-07-02. Review status: criteria provided, single submitter. Criteria: ACMG Guidelines, 2015. Collection method: clinical testing. Allele origin: germline.

PreventionGenetics, part of Exact Sciences
Classification: Likely benign for TBXAS1-related condition. Last evaluated: 2019-02-22. Review status: no assertion criteria provided. Collection method: clinical testing. Allele origin: germline. Not counted in ClinVar's aggregate classification.
Comment: This variant is classified as likely benign based on ACMG/AMP sequence variant interpretation guidelines (Richards et al. 2015 PMID: 25741868, with internal and published modifications).